The following is an entry in ClinVar:

ClinVar aggregate classification (germline): Uncertain significance (1 of 4 stars; one submission).

Submission:

Labcorp Genetics (formerly Invitae), Labcorp
Classification: Uncertain significance. Last evaluated: 2024-12-09. Review status: criteria provided, single submitter. Criteria: Invitae Variant Classification Sherloc (09022015). Collection method: clinical testing. Allele origin: germline.
Comment: This sequence change falls in intron 32 of the COL4A1 gene. It does not directly change the encoded amino acid sequence of the COL4A1 protein. It affects a nucleotide within the consensus splice site. This variant is present in population databases (rs760823302, gnomAD 0.006%). This variant has not been reported in the literature in individuals affected with COL4A1-related conditions. Variants that disrupt the consensus splice site are a relatively common cause of aberrant splicing (PMID: 17576681, 9536098). Algorithms developed to predict the effect of sequence changes on RNA splicing suggest that this variant is not likely to affect RNA splicing. In summary, the available evidence is currently insufficient to determine the role of this variant in disease. Therefore, it has been classified as a Variant of Uncertain Significance.

Literature cited by the submitters: PubMed 17576681; PubMed 9536098.

NM_001845.6(COL4A1):c.2627-3C>T

Gene: COL4A1 (collagen type IV alpha 1 chain; minus strand). Cytogenetic location: 13q34.
Variant type: single nucleotide variant.
Coding change: c.2627-3C>T on transcript NM_001845.6 (MANE Select); 3 bases into the intron before coding-DNA position 2627, C replaced by T.
Molecular consequence: intron variant.
Genome position (GRCh38, 1-based): chr13:110,177,934, G>A on the plus strand (C>T on the coding strand, the complement: COL4A1 is on the minus strand). VCF-style: chr13-110177934-G-A. GRCh37 (hg19) VCF-style: chr13-110830281-G-A.
Identifiers: ClinVar variation 3620973 (VCV003620973.2).